The following is an entry in ClinVar:

NM_001352754.2(ARMC9):c.1669G>A (p.Ala557Thr)

Gene: ARMC9 (armadillo repeat containing 9; plus strand). Cytogenetic location: 2q37.1.
Variant type: single nucleotide variant.
Coding change: c.1669G>A on transcript NM_001352754.2 (MANE Select); coding-DNA position 1669, G replaced by A.
Protein change: p.Ala557Thr; replaces alanine 557 with threonine.
Molecular consequence: missense variant. On other transcripts: non-coding transcript variant (1).
Genome position (GRCh38, 1-based): chr2:231,291,395, G>A. VCF-style: chr2-231291395-G-A. GRCh37 (hg19) VCF-style: chr2-232156108-G-A.
Other names: c.1669G>A, p.Ala557Thr (NM_001271466.4, NM_001291656.2, NM_001352755.2 and 3 more transcripts); c.1570G>A, p.Ala524Thr (NM_001352757.2, NM_001352758.2); short protein forms A524T, A557T.
Identifiers: ClinVar variation 1465737 (VCV001465737.5), dbSNP rs2125472073, ClinGen allele CA350957441.
Genomic context (GRCh38, chr2:231,291,395, plus strand): 5'-TTTCGCCAATACTTCTAGGGAATGGAAGACATCCTACGCTGCTTCATCAAAGAAGGCAAT[G>A]CTGAAATGATCCGCCAGATAGAATTCATCATCAAGCAGCTAAATTCCGGTCAGTTTGATG-3'
Protein context (NP_001339683.2, residues 547-567): ILRCFIKEGN[Ala557Thr]EMIRQIEFII

ClinVar aggregate classification (germline): Uncertain significance (1 of 4 stars; one submission).

Allele frequency attached by ClinVar (database versions not stated): gnomAD exomes below 0.00001.
gnomAD v4.1: 1 of 1,613,810 alleles (0.000062%); highest among the groups gnomAD compares: Non-Finnish European, 0.000085%; no homozygotes.

Submission:

Labcorp Genetics (formerly Invitae), Labcorp
Classification: Uncertain significance. Last evaluated: 2022-02-09. Review status: criteria provided, single submitter. Criteria: Invitae Variant Classification Sherloc (09022015). Collection method: clinical testing. Allele origin: germline.
Comment: This sequence change replaces alanine with threonine at codon 557 of the ARMC9 protein (p.Ala557Thr). The alanine residue is moderately conserved and there is a small physicochemical difference between alanine and threonine. In summary, the available evidence is currently insufficient to determine the role of this variant in disease. Therefore, it has been classified as a Variant of Uncertain Significance. Experimental studies and prediction algorithms are not available or were not evaluated, and the functional significance of this variant is currently unknown. This variant has not been reported in the literature in individuals affected with ARMC9-related conditions. This variant is not present in population databases (gnomAD no frequency).